The following is an entry in ClinVar:

ClinVar aggregate classification (germline): Uncertain significance (1 of 4 stars; one submission).

Conditions:
SEMA3E-related disorder. Also called: SEMA3E-related condition.

Submission:

PreventionGenetics, part of Exact Sciences
Classification: Uncertain significance for SEMA3E-related condition. Last evaluated: 2022-09-28. Review status: criteria provided, single submitter. Criteria: ACMG Guidelines, 2015. Collection method: clinical testing. Allele origin: germline.
Comment: The SEMA3E c.459T>A variant is predicted to result in the amino acid substitution p.Asp153Glu. To our knowledge, this variant has not been reported in the literature or in a large population database, indicating this variant is rare. At this time, the clinical significance of this variant is uncertain due to the absence of conclusive functional and genetic evidence.

NM_012431.3(SEMA3E):c.459T>A (p.Asp153Glu)

Gene: SEMA3E (semaphorin 3E; minus strand). Cytogenetic location: 7q21.11.
Variant type: single nucleotide variant.
Coding change: c.459T>A on transcript NM_012431.3 (MANE Select); coding-DNA position 459, T replaced by A.
Protein change: p.Asp153Glu; replaces aspartic acid 153 with glutamic acid.
Molecular consequence: missense variant.
Genome position (GRCh38, 1-based): chr7:83,418,481, A>T on the plus strand (T>A on the coding strand, the complement: SEMA3E is on the minus strand). VCF-style: chr7-83418481-A-T. GRCh37 (hg19) VCF-style: chr7-83047797-A-T.
Other names: c.279T>A, p.Asp93Glu (NM_001178129.2); short protein forms D153E, D93E.
Identifiers: ClinVar variation 2637246 (VCV002637246.1), dbSNP rs2484341132, ClinGen allele CA367934316.